The following is an entry in ClinVar:

NM_001401501.2(MUC16):c.36982-10dup

Gene: MUC16 (mucin 16, cell surface associated; minus strand). Cytogenetic location: 19p13.2.
Variant type: Duplication.
Coding change: c.36982-10dup on transcript NM_001401501.2 (MANE Select); 10 bases into the intron before coding-DNA position 36982, one base duplicated (T; older notation c.36982-10dupT).
Molecular consequence: intron variant.
Genome position (GRCh38, 1-based): chr19:8,914,992, A duplicated on the plus strand (T on the coding strand, the reverse complement: MUC16 is on the minus strand). VCF-style (leftmost placement, unchanged base first): chr19-8914991-G-GA. GRCh37 (hg19) VCF-style: chr19-9025667-G-GA.
Other names: c.37408-10dup (NM_001414686.1); c.36862-10dup (NM_001414687.1); c.36796-10dup (NM_024690.2); c.36796-10dupT (NM_024690.2).
Identifiers: ClinVar variation 3039270 (VCV003039270.2), dbSNP rs1371847854, ClinGen allele CA631389273.

ClinVar aggregate classification (germline): Likely benign (0 of 4 stars; one submission).

Conditions:
MUC16-related disorder. Also called: MUC16-related condition.

Submission:

PreventionGenetics, part of Exact Sciences
Classification: Likely benign for MUC16-related condition. Last evaluated: 2019-02-20. Review status: no assertion criteria provided. Collection method: clinical testing. Allele origin: germline.
Comment: This variant is classified as likely benign based on ACMG/AMP sequence variant interpretation guidelines (Richards et al. 2015 PMID: 25741868, with internal and published modifications).